The following is an entry in ClinVar:

ClinVar aggregate classification (germline): Uncertain significance (1 of 4 stars; one submission).

Allele frequency attached by ClinVar (database versions not stated): gnomAD exomes below 0.00001.
gnomAD v4.1: 1 of 1,613,024 alleles (0.000062%); highest among the groups gnomAD compares: African/African-American, 0.0013%; no homozygotes.

Submission:

Labcorp Genetics (formerly Invitae), Labcorp
Classification: Uncertain significance. Last evaluated: 2022-03-20. Review status: criteria provided, single submitter. Criteria: Invitae Variant Classification Sherloc (09022015). Collection method: clinical testing. Allele origin: germline.
Comment: In summary, the available evidence is currently insufficient to determine the role of this variant in disease. Therefore, it has been classified as a Variant of Uncertain Significance. Algorithms developed to predict the effect of missense changes on protein structure and function are either unavailable or do not agree on the potential impact of this missense change (SIFT: "Deleterious"; PolyPhen-2: "Benign"; Align-GVGD: "Class C35"). This sequence change replaces leucine, which is neutral and non-polar, with proline, which is neutral and non-polar, at codon 102 of the MPDZ protein (p.Leu102Pro). This variant is not present in population databases (gnomAD no frequency). This variant has not been reported in the literature in individuals affected with MPDZ-related conditions.

NM_001378778.1(MPDZ):c.305T>C (p.Leu102Pro)

Gene: MPDZ (multiple PDZ domain crumbs cell polarity complex component; minus strand). Cytogenetic location: 9p23.
Variant type: single nucleotide variant.
Coding change: c.305T>C on transcript NM_001378778.1 (MANE Select); coding-DNA position 305, T replaced by C.
Protein change: p.Leu102Pro; replaces leucine 102 with proline.
Molecular consequence: missense variant.
Genome position (GRCh38, 1-based): chr9:13,224,462, A>G on the plus strand (T>C on the coding strand, the complement: MPDZ is on the minus strand). VCF-style: chr9-13224462-A-G. GRCh37 (hg19) VCF-style: chr9-13224461-A-G.
Other names: c.305T>C, p.Leu102Pro (NM_001261406.2, NM_001261407.2, NM_001330637.2 and 14 more transcripts); short protein forms L102P.
Identifiers: ClinVar variation 2114841 (VCV002114841.4), dbSNP rs2497748289, ClinGen allele CA372948153.